The following is an entry in ClinVar:

NM_004370.6(COL12A1):c.3104G>T (p.Arg1035Ile)

Gene: COL12A1 (collagen type XII alpha 1 chain; minus strand). Cytogenetic location: 6q13.
Variant type: single nucleotide variant.
Coding change: c.3104G>T on transcript NM_004370.6 (MANE Select); coding-DNA position 3104, G replaced by T.
Protein change: p.Arg1035Ile; replaces arginine 1035 with isoleucine.
Molecular consequence: missense variant. On other transcripts: intron variant (2).
Genome position (GRCh38, 1-based): chr6:75,156,403, C>A on the plus strand (G>T on the coding strand, the complement: COL12A1 is on the minus strand). VCF-style: chr6-75156403-C-A. GRCh37 (hg19) VCF-style: chr6-75866119-C-A.
Other names: c.3104G>T, p.Arg1035Ile (NM_001424113.1, NM_001424114.1); c.2831G>T, p.Arg944Ile (NM_001424115.1); c.74-3921G>T (NM_001424116.1, NM_080645.3); short protein forms R944I, R1035I.
Identifiers: ClinVar variation 4788208 (VCV004788208.1).
Genomic context (GRCh38, chr6:75,156,403, plus strand): 5'-AGTCGCTTTAACACTGTCGAAGTGACTGTGGGGGGCACCTTAGCAACCATTTGCTTCCCT[C>A]TCCCATGAGGGCGATAGACAACACGGTAGTTGACGACTTTCCCTGGTGCTGGTTTCCATG-3'
Protein context (NP_004361.3, residues 1025-1045): NYRVVYRPHG[Arg1035Ile]GKQMVAKVPP

ClinVar aggregate classification (germline): Uncertain significance (1 of 4 stars; one submission).

Conditions:
Ullrich congenital muscular dystrophy 2 (UCMD2). Identifiers: Orphanet 75840, MedGen C4225314, MONDO:0014654, OMIM 616470.
Bethlem myopathy 2 (BTHLM2). Identifiers: Orphanet 536516, Orphanet 610, MedGen C4225313, MONDO:0034022, OMIM 616471.

Submission:

Labcorp Genetics (formerly Invitae), Labcorp
Classification: Uncertain significance for Bethlem myopathy 2; Ullrich congenital muscular dystrophy 2. Last evaluated: 2025-05-27. Review status: criteria provided, single submitter. Criteria: Invitae Variant Classification Sherloc (09022015). Collection method: clinical testing. Allele origin: germline.
Comment: This sequence change replaces arginine, which is basic and polar, with isoleucine, which is neutral and non-polar, at codon 1035 of the COL12A1 protein (p.Arg1035Ile). This variant is not present in population databases (gnomAD no frequency). This variant has not been reported in the literature in individuals affected with COL12A1-related conditions. Invitae Evidence Modeling of protein sequence and biophysical properties (such as structural, functional, and spatial information, amino acid conservation, physicochemical variation, residue mobility, and thermodynamic stability) indicates that this missense variant is not expected to disrupt COL12A1 protein function with a negative predictive value of 80%. In summary, the available evidence is currently insufficient to determine the role of this variant in disease. Therefore, it has been classified as a Variant of Uncertain Significance.